The following is an entry in ClinVar:

ClinVar aggregate classification (germline): Pathogenic (1 of 4 stars; one submission).

Conditions:
Hereditary breast ovarian cancer syndrome. Also called: Hereditary breast and ovarian cancer syndrome; Hereditary breast and/or ovarian cancer syndrome; Hereditary breast and ovarian cancer syndrome (HBOC); Hereditary breast and ovarian cancer; Breast and ovarian cancer; BRCA1- and BRCA2-Associated Hereditary Breast and Ovarian Cancer. Identifiers: Orphanet 145, MedGen C0677776, MeSH D061325, MONDO:0003582. Disease mechanism: loss of function.

Submission:

Women's Health and Genetics/Laboratory Corporation of America, LabCorp
Classification: Pathogenic for Hereditary breast and ovarian cancer syndrome. Last evaluated: 2020-04-06. Review status: criteria provided, single submitter. Criteria: LabCorp Variant Classification Summary - May 2015. Collection method: clinical testing. Allele origin: germline.
Comment: Variant summary: The variant identified by MLPA involves the deletion of exons 13-19 in the BRCA1 gene. A presumed nomenclature of c.(4357+1_4358-1)_(5277+1_5278-1)del has been designated for the purposes of this classification. The variant was not found in the gnomAD SV database, therefore it does not appear to have been detected in this large control population. The variant has been reported in the literature in multiple individuals affected with hereditary or suspected hereditary breast and/or ovarian cancers (e.g. Walsh_2010, Smith_2011, Judkins_2012, Rudnicka_2013). These data indicate that the variant is very likely to be associated with disease. To our knowledge, no experimental evidence demonstrating an impact on protein function has been reported. A ClinVar submission (evaluation after 2014) cites the variant as pathogenic. Based on the evidence outlined above, the variant was classified as pathogenic.

Literature cited by the submitters: PubMed 21281505; PubMed 22544547; PubMed 24065545; PubMed 20616022.

NC_000017.11:g.(43051118_43057051)_(43076615_43082403)del

Gene: BRCA1 (BRCA1 DNA repair associated; minus strand). Cytogenetic location: 17q21.31.
Variant type: Deletion.
Identifiers: ClinVar variation 981984 (VCV000981984.1).